The following is an entry in ClinVar:

NM_025114.4(CEP290):c.850C>G (p.Gln284Glu)

Gene: CEP290 (centrosomal protein 290; minus strand). Cytogenetic location: 12q21.32.
Variant type: single nucleotide variant.
Coding change: c.850C>G on transcript NM_025114.4 (MANE Select); coding-DNA position 850, C replaced by G.
Protein change: p.Gln284Glu; replaces glutamine 284 with glutamic acid.
Molecular consequence: missense variant.
Genome position (GRCh38, 1-based): chr12:88,129,696, G>C on the plus strand (C>G on the coding strand, the complement: CEP290 is on the minus strand). VCF-style: chr12-88129696-G-C. GRCh37 (hg19) VCF-style: chr12-88523473-G-C.
Other names: short protein forms Q284E.
Identifiers: ClinVar variation 2416185 (VCV002416185.9), dbSNP rs2501462993, ClinGen allele CA385984178.

ClinVar aggregate classification (germline): Uncertain significance. Review status: criteria provided, multiple submitters, no conflicts (2 of 4 stars). 2 submissions from 2 submitters: Uncertain significance (2). Last evaluated 2024-12-02.

Conditions:
Joubert syndrome 5 (JBTS5). Identifiers: Orphanet 2318, MedGen C1857780, MONDO:0012432, OMIM 610188.
Senior-Loken syndrome 6 (SLSN6). Identifiers: Orphanet 3156, MedGen C1857779, MONDO:0012433, OMIM 610189.
Bardet-Biedl syndrome 14 (BBS14). Identifiers: Orphanet 110, MedGen C2673874, MONDO:0014442, OMIM 615991.
Leber congenital amaurosis 10 (LCA10). Identifiers: Orphanet 65, MedGen C1857821, MONDO:0012723, OMIM 611755.
Meckel syndrome, type 4 (MKS4). Also called: MECKEL-GRUBER SYNDROME, TYPE 4. Identifiers: Orphanet 564, MedGen C1970161, MONDO:0012626, OMIM 611134.
Joubert syndrome. Also called: CEREBELLOPARENCHYMAL DISORDER IV; JOUBERT-BOLTSHAUSER SYNDROME; Familial aplasia of the vermis. Identifiers: Orphanet 475, MedGen C5979921, MONDO:0018772.
Nephronophthisis. Also called: Juvenile Nephronophthisis. Identifiers: Orphanet 655, MedGen C0687120, MONDO:0019005, HP:0000090.
Meckel-Gruber syndrome. Also called: DYSENCEPHALIA SPLANCHNOCYSTICA; GRUBER SYNDROME; Dysencephalia splachnocystica. Identifiers: Orphanet 564, MedGen C0265215, MONDO:0018921.

Submissions (2):

Labcorp Genetics (formerly Invitae), Labcorp
Classification: Uncertain significance for Joubert syndrome; Meckel-Gruber syndrome; Nephronophthisis. Last evaluated: 2024-12-02. Review status: criteria provided, single submitter. Criteria: Invitae Variant Classification Sherloc (09022015). Collection method: clinical testing. Allele origin: germline.
Comment: This sequence change replaces glutamine, which is neutral and polar, with glutamic acid, which is acidic and polar, at codon 284 of the CEP290 protein (p.Gln284Glu). This variant is not present in population databases (gnomAD no frequency). This variant has not been reported in the literature in individuals affected with CEP290-related conditions. ClinVar contains an entry for this variant (Variation ID: 2416185). An algorithm developed to predict the effect of missense changes on protein structure and function (PolyPhen-2) suggests that this variant is likely to be disruptive. In summary, the available evidence is currently insufficient to determine the role of this variant in disease. Therefore, it has been classified as a Variant of Uncertain Significance.

Fulgent Genetics
Classification: Uncertain significance for Joubert syndrome 5; Senior-Loken syndrome 6; Meckel syndrome, type 4; Leber congenital amaurosis 10; Bardet-Biedl syndrome 14. Last evaluated: 2024-05-08. Review status: criteria provided, single submitter. Criteria: ACMG Guidelines, 2015. Collection method: clinical testing. Allele origin: germline.